The following is an entry in ClinVar:

ClinVar aggregate classification (germline): Pathogenic (1 of 4 stars; one submission).

Conditions:
Hereditary antithrombin deficiency (AT3D). Also called: Antithrombin III deficiency; Thrombophilia due to antithrombin III deficiency; Reduced antithrombin III activity; Antithrombin deficiency. Identifiers: Orphanet 82, MedGen C0272375, MONDO:0013144, OMIM 613118, HP:0001976.

Submission:

Victorian Clinical Genetics Services, Murdoch Childrens Research Institute
Classification: Pathogenic for Hereditary antithrombin deficiency. Last evaluated: 2026-04-23. Review status: criteria provided, single submitter. Criteria: ACMG Guidelines, 2015. Collection method: clinical testing. Allele origin: germline. Affected: yes.
Comment: This variant is classified as Pathogenic. Evidence in support of pathogenic classification: Variant is predicted to cause nonsense-mediated decay (NMD) and loss of protein (premature termination codon is located at least 54 nucleotides upstream of the final exon-exon junction); Variant is absent from gnomAD (v2, v3 and v4); Other NMD-predicted variant(s) comparable to the one identified in this case have very strong previous evidence for pathogenicity (DECIPHER). Additional information: This variant is heterozygous; This gene is associated with both recessive and dominant disease (OMIM). Biallelic disease is associated with a more severe presentation (ClinGen CCID:006109); This variant has no previous evidence of pathogenicity; No published evidence of segregation with disease has been identified for this variant; No published functional evidence has been identified for this variant; Loss of function is a known mechanism of disease in this gene and is associated with thrombophilia 7 due to antithrombin III deficiency (MIM#613118); Inheritance information for this variant is not currently available in this individual.

NM_000488.4(SERPINC1):c.316del (p.Asp106fs)

Gene: SERPINC1 (serpin family C member 1; minus strand). Cytogenetic location: 1q25.1.
Variant type: Deletion.
Coding change: c.316del on transcript NM_000488.4 (MANE Select); coding-DNA position 316, one base deleted (G; older notation c.316delG).
Protein change: p.Asp106fs; shifts the reading frame from aspartic acid 106.
Molecular consequence: frameshift variant.
Genome position (GRCh38, 1-based): chr1:173,914,645, C deleted on the plus strand (G on the coding strand, the reverse complement: SERPINC1 is on the minus strand). VCF-style (leftmost placement, unchanged base first): chr1-173914644-TC-T. GRCh37 (hg19) VCF-style: chr1-173883782-TC-T.
Other names: c.172del, p.Asp58fs (NM_001365052.2); c.316del, p.Asp106fs (NM_001386302.1, NM_001386304.1, NM_001386305.1 and 1 more transcripts); c.397del, p.Asp133fs (NM_001386303.1); short protein forms D106fs, D133fs, D58fs.
Identifiers: ClinVar variation 4879786 (VCV004879786.1).